The following is an entry in ClinVar:

ClinVar aggregate classification (germline): Pathogenic (1 of 4 stars; one submission).

Submission:

Labcorp Genetics (formerly Invitae), Labcorp
Classification: Pathogenic. Last evaluated: 2025-05-08. Review status: criteria provided, single submitter. Criteria: Invitae Variant Classification Sherloc (09022015). Collection method: clinical testing. Allele origin: germline.
Comment: This sequence change creates a premature translational stop signal (p.Trp162*) in the LZTR1 gene. It is expected to result in an absent or disrupted protein product. Loss-of-function variants in LZTR1 are known to be pathogenic (PMID: 24362817, 25335493, 25480913, 25795793, 29469822, 30368668, 30442762, 30442766, 30481304, 30859559). This variant is not present in population databases (gnomAD no frequency). This variant has not been reported in the literature in individuals affected with LZTR1-related conditions. For these reasons, this variant has been classified as Pathogenic.

Literature cited by the submitters: PubMed 24362817; PubMed 25335493; PubMed 25480913; PubMed 25795793; PubMed 29469822; PubMed 30368668; PubMed 30442762; PubMed 30442766; PubMed 30481304; PubMed 30859559.

NM_006767.4(LZTR1):c.486del (p.Gln161_Trp162insTer)

Gene: LZTR1 (leucine zipper like post translational regulator 1; plus strand). Cytogenetic location: 22q11.21.
Variant type: Deletion.
Coding change: c.486del on transcript NM_006767.4 (MANE Select); coding-DNA position 486, one base deleted (G; older notation c.486delG).
Protein change: p.Gln161_Trp162insTer.
Molecular consequence: nonsense.
Genome position (GRCh38, 1-based): chr22:20,988,095, G deleted; the last of 2 consecutive G bases (chr22:20,988,094-20,988,095); deleting either gives the same sequence. VCF-style (leftmost placement, unchanged base first): chr22-20988093-TG-T. GRCh37 (hg19) VCF-style: chr22-21342382-TG-T.
Identifiers: ClinVar variation 4718640 (VCV004718640.1).